The following continues an entry in ClinVar:

NM_000051.4(ATM):c.5228C>T (p.Thr1743Ile)

Gene: ATM. ClinVar aggregate classification (germline): Pathogenic. Pathogenic (1).

Submissions 8 to 14 of 14:

Clinical Omics and Informatics (COIN) Unit, Neuroscience Institute, University Of Cape Town
Classification: Likely pathogenic for Ataxia-telangiectasia syndrome. Last evaluated: 2024-05-22. Review status: criteria provided, single submitter. Criteria: ACMG Guidelines, 2015. Collection method: research. Allele origin: germline. Inheritance: Autosomal recessive inheritance. Affected: yes. Observed: 1 variant allele, 1 homozygote. Not counted in ClinVar's aggregate classification.
Comment: PM2_supporting: the highest population allele frequency in gnomAD v4.0 is 0.00008476 (0.008%; 100/1179784 alleles in European non Finnish population). PM3_strong: 3 points awarded for 3 observations of variant with pathogenic variants confirmed in trans (PMID: 31921190, 19147735, 9463314). PP3_moderate: REVEL score is 0.83. PS3_supporting: functional studies provide supportive evidence that this variant has a damaging effect on the gene or gene product. PS4 not evaluated as affected literature probands with variant already counted under PM3. Sequencing funded by the International Centre for Genomic Medicine in Neuromuscular Diseases (ICGNMD).

Baylor Genetics
Classification: Pathogenic for Familial cancer of breast. Last evaluated: 2024-03-18. Review status: criteria provided, single submitter. Criteria: ACMG Guidelines, 2015. Collection method: clinical testing. Allele origin: unknown. Not counted in ClinVar's aggregate classification.

Color Diagnostics, LLC DBA Color Health
Classification: Pathogenic for Hereditary cancer-predisposing syndrome. Last evaluated: 2024-02-07. Review status: criteria provided, single submitter. Criteria: ACMG Guidelines, 2015. Collection method: clinical testing. Allele origin: germline. Not counted in ClinVar's aggregate classification.
Comment: This missense variant replaces threonine with isoleucine at codon 1743 of the ATM protein. Computational prediction suggests that this variant may have deleterious impact on protein structure and function. A functional study has reported that this variant protein had reduced kinase activity in a cell-based assay (PMID: 19431188). This variant has been reported in the presumed or confirmed compound heterozygous state with an additional pathogenic ATM variant in individuals affected with ataxia telangiectasia (PMID: 9463314, 19147735, 21792198, 26896183, 31921190) as well as in the homozygous state in an individual affected with ataxic neuropathy hmz, 0.5pt (PMID: 37712079). This variant has also been reported in individuals affected with breast cancer (PMID: 19781682, 28779002, 30303537, 33471991), chronic lymphocytic leukemia (PMID: 21933854), prostate cancer (PMID: 33436325), colon cancer (PMID: 27978560), and gastroesophageal junction adenocarcinoma (PMID: 35078243). This variant has been reported to segregate with breast cancer in one family (Tischkowitz et al. ESMO Preceptorship on Hereditary Cancer Genetics 2019). In a large international case-control study, this variant was reported in 7/60466 breast cancer cases and 1/53461 controls (OR=6.19, 95%CI 0.761 to 50.312, p-value=0.074; PMID: 33471991). This variant has been identified in 5/282558 chromosomes in the general population by the Genome Aggregation Database (gnomAD). Based on the available evidence, this variant is classified as Pathogenic.

Myriad Genetics, Inc.
Classification: Likely pathogenic for Familial cancer of breast. Last evaluated: 2024-01-25. Review status: criteria provided, single submitter. Criteria: Myriad Autosomal Dominant, Autosomal Recessive and X-Linked Classification Criteria (2023). Collection method: clinical testing. Allele origin: unknown. Not counted in ClinVar's aggregate classification.
Comment: This variant is considered likely pathogenic. This variant has been reported in multiple individuals with clinical features of gene-specific disease [PMID: 31921190,19147735, 26896183, 9463314, 37438524]. Functional studies indicate this variant impacts protein function [PMID: 19431188, 26896183, 9463314].

Mayo Clinic Laboratories, Mayo Clinic
Classification: Pathogenic. Last evaluated: 2020-05-14. Review status: criteria provided, single submitter. Criteria: ACMG Guidelines, 2015. Collection method: clinical testing. Allele origin: germline. Observed: 1 variant allele. Not counted in ClinVar's aggregate classification.
Comment: PM3_Strong, PS3_moderate, PS4_moderate, PP3, PP4

Athena Diagnostics
Classification: Pathogenic. Last evaluated: 2018-11-28. Review status: criteria provided, single submitter. Criteria: Athena Diagnostics Criteria. Collection method: clinical testing. Allele origin: germline. Not counted in ClinVar's aggregate classification.
Comment: The best available variant frequency is uninformative because it is below the disease allele frequency. Found in at least one symptomatic patient. Predicted to have a damaging effect on the protein. Occurs in three or more cases with a recessive pathogenic variant in the same gene. Damaging to protein function(s) relevant to disease mechanism.

Counsyl
Classification: Uncertain significance for Ataxia-telangiectasia syndrome. Last evaluated: 2018-04-12. Review status: no assertion criteria provided. Collection method: clinical testing. Allele origin: unknown. Not counted in ClinVar's aggregate classification.

Literature cited by the submitters: PubMed 9463314 (cited by 8 submitters); PubMed 17968022 (cited by 3 submitters); PubMed 19147735 (cited by 7 submitters); PubMed 19781682 (cited by 4 submitters); PubMed 21792198 (cited by 7 submitters); PubMed 21933854 (cited by 6 submitters); PubMed 27978560 (cited by 5 submitters); PubMed 30303537 (cited by 5 submitters); PubMed 31921190 (cited by 9 submitters); PubMed 19431188 (cited by 10 submitters); PubMed 16014569 (cited by Ambry Genetics and Athena Diagnostics); PubMed 20346647 (cited by Ambry Genetics); PubMed 26898890 (cited by Ambry Genetics); PubMed 28779002 (cited by 3 submitters); PubMed 30549301 (cited by Ambry Genetics and Athena Diagnostics); PubMed 33436325 (cited by 3 submitters); PubMed 33471991 (cited by 3 submitters); PubMed 26896183 (cited by 5 submitters); PubMed 34539671 (cited by Department of Pathology and Laboratory Medicine, Sinai Health System and Women's Health and Genetics/Laboratory Corporation of America, LabCorp); PubMed 37712079 (cited by 3 submitters); PubMed 35078243 (cited by Color Diagnostics, LLC DBA Color Health); PubMed 37438524 (cited by Myriad Genetics, Inc.); PubMed 22529920 (cited by Athena Diagnostics and Counsyl).